The following is an entry in ClinVar:

NM_001395002.1(MAP4K4):c.281C>T (p.Pro94Leu)

Gene: MAP4K4 (mitogen-activated protein kinase kinase kinase kinase 4; plus strand). Cytogenetic location: 2q11.2.
Variant type: single nucleotide variant.
Coding change: c.281C>T on transcript NM_001395002.1 (MANE Select); coding-DNA position 281, C replaced by T.
Protein change: p.Pro94Leu; replaces proline 94 with leucine.
Molecular consequence: missense variant. On other transcripts: non-coding transcript variant (4).
Genome position (GRCh38, 1-based): chr2:101,824,028, C>T. VCF-style: chr2-101824028-C-T. GRCh37 (hg19) VCF-style: chr2-102440490-C-T.
Other names: c.281C>T, p.Pro94Leu (NM_001242559.2, NM_001242560.2, NM_001384476.1 and 28 more transcripts); c.254C>T, p.Pro85Leu (NM_001384549.1, NM_001384550.1, NM_001384551.1 and 16 more transcripts); short protein forms P85L, P94L.
Identifiers: ClinVar variation 3393852 (VCV003393852.1).

ClinVar aggregate classification (germline): Uncertain significance (1 of 4 stars; one submission).

Submission:

GeneDx
Classification: Uncertain significance. Last evaluated: 2024-07-03. Review status: criteria provided, single submitter. Criteria: GeneDx Variant Classification Process June 2021. Collection method: clinical testing. Allele origin: germline. Affected: yes.
Comment: Not observed at significant frequency in large population cohorts (gnomAD); In silico analysis supports that this missense variant has a deleterious effect on protein structure/function; Has not been previously published as pathogenic or benign to our knowledge